The following is an entry in ClinVar:

ClinVar aggregate classification (germline): Uncertain significance (1 of 4 stars; one submission).

Allele frequency attached by ClinVar (database versions not stated): gnomAD exomes below 0.00001; gnomAD 0.00001.
gnomAD v4.1: 7 of 1,551,638 alleles (0.00045%); highest among the groups gnomAD compares: Admixed American, 0.002%; no homozygotes.

Submission:

Labcorp Genetics (formerly Invitae), Labcorp
Classification: Uncertain significance. Last evaluated: 2023-12-11. Review status: criteria provided, single submitter. Criteria: Invitae Variant Classification Sherloc (09022015). Collection method: clinical testing. Allele origin: germline.
Comment: This sequence change replaces proline, which is neutral and non-polar, with leucine, which is neutral and non-polar, at codon 3070 of the UNC80 protein (p.Pro3070Leu). This variant is not present in population databases (gnomAD no frequency). This variant has not been reported in the literature in individuals affected with UNC80-related conditions. ClinVar contains an entry for this variant (Variation ID: 2023809). Advanced modeling of protein sequence and biophysical properties (such as structural, functional, and spatial information, amino acid conservation, physicochemical variation, residue mobility, and thermodynamic stability) performed at Invitae indicates that this missense variant is not expected to disrupt UNC80 protein function with a negative predictive value of 80%. In summary, the available evidence is currently insufficient to determine the role of this variant in disease. Therefore, it has been classified as a Variant of Uncertain Significance.

NM_001371986.1(UNC80):c.9407C>T (p.Pro3136Leu)

Gene: UNC80 (unc-80 homolog, NALCN channel complex subunit; plus strand). Cytogenetic location: 2q34.
Variant type: single nucleotide variant.
Coding change: c.9407C>T on transcript NM_001371986.1 (MANE Select); coding-DNA position 9407, C replaced by T.
Protein change: p.Pro3136Leu; replaces proline 3136 with leucine.
Molecular consequence: missense variant.
Genome position (GRCh38, 1-based): chr2:209,993,325, C>T. VCF-style: chr2-209993325-C-T. GRCh37 (hg19) VCF-style: chr2-210858049-C-T.
Other names: c.9209C>T, p.Pro3070Leu (NM_032504.2); c.9137C>T, p.Pro3046Leu (NM_182587.4); short protein forms P3046L, P3070L, P3136L.
Identifiers: ClinVar variation 2023809 (VCV002023809.3), dbSNP rs2093425676, ClinGen allele CA350415462.